The following is an entry in ClinVar:

NM_015338.6(ASXL1):c.69del (p.Tyr24fs)

Gene: ASXL1 (ASXL transcriptional regulator 1; plus strand). Cytogenetic location: 20q11.21.
Variant type: Deletion.
Coding change: c.69del on transcript NM_015338.6 (MANE Select); coding-DNA position 69, one base deleted (C; older notation c.69delC).
Protein change: p.Tyr24fs; shifts the reading frame from tyrosine 24.
Molecular consequence: frameshift variant.
Genome position (GRCh38, 1-based): chr20:32,366,395, C deleted. VCF-style (leftmost placement, unchanged base first): chr20-32366394-AC-A. GRCh37 (hg19) VCF-style: chr20-30954197-AC-A.
Other names: c.69del, p.Tyr24fs (NM_001164603.1); c.39del, p.Tyr14fs (NM_001363734.1); short protein forms Y14fs, Y24fs.
Identifiers: ClinVar variation 1031903 (VCV001031903.1), dbSNP rs2048205050, ClinGen allele CA2360261099.
Genomic context (GRCh38, chr20:32,366,394, plus strand): 5'-GATATAAATGGAAATTGCACACTGAAATTAGGACGTTTATATTTCTTCAGGTATTAGAAA[AC>A]TACTCGGATGCTCCAATGACACCAAAACAGATTCTGCAGGTCATAGAGGCAGAAGGACTA-3'

ClinVar aggregate classification (germline): Likely pathogenic (1 of 4 stars; one submission).

Conditions:
Bohring-Opitz syndrome. Also called: C-LIKE SYNDROME; BOHRING SYNDROME; OPITZ TRIGONOCEPHALY-LIKE SYNDROME; ASXL1-Related Bohring-Opitz Syndrome. Identifiers: Orphanet 97297, MedGen C0796232, MONDO:0011510, OMIM 605039.

Submission:

Baylor Genetics
Classification: Likely pathogenic for Bohring-Opitz syndrome. Last evaluated: 2018-12-06. Review status: criteria provided, single submitter. Criteria: ACMG Guidelines, 2015. Collection method: clinical testing. Allele origin: maternal. Affected: yes.
Comment: This variant was determined to be likely pathogenic according to ACMG Guidelines, 2015 [PMID:25741868].